The following is an entry in ClinVar:

NM_015693.4(INTU):c.1956_1957del (p.Cys653fs)

Gene: INTU (inturned planar cell polarity protein; plus strand). Cytogenetic location: 4q28.1.
Variant type: Deletion.
Coding change: c.1956_1957del on transcript NM_015693.4 (MANE Select); coding-DNA positions 1956 to 1957, 2 bases deleted (CT; older notation c.1956_1957delCT).
Protein change: p.Cys653fs; shifts the reading frame from cysteine 653.
Molecular consequence: frameshift variant.
Genome position (GRCh38, 1-based): chr4:127,706,654-127,706,655, CT deleted. VCF-style (leftmost placement, unchanged base first): chr4-127706653-CCT-C. GRCh37 (hg19) VCF-style: chr4-128627808-CCT-C.
Other names: short protein forms C653fs.
Identifiers: ClinVar variation 2909380 (VCV002909380.4), dbSNP rs779599325, ClinGen allele CA3075220.
Genomic context (GRCh38, chr4:127,706,653, plus strand): 5'-TTCACCAGCTGGATGGAGTAGATTCTCGCATAGATGAACGGCTAGCATCTTCTCCAGTCC[CCT>C]GTTTGTCTTGTGCTGACTGGTTCCTTACTGGATCACGTGAAAAAACAGATAGCTTGACCA-3'

ClinVar aggregate classification (germline): Conflicting classifications of pathogenicity. Review status: criteria provided, conflicting classifications (1 of 4 stars). 2 submissions from 2 submitters: Pathogenic (1); Uncertain significance (1). Last evaluated 2026-04-01.

Conditions:
Primary ciliary dyskinesia. Also called: Ciliary dyskinesia. Identifiers: Orphanet 244, MedGen C0008780, MONDO:0016575, HP:0012265.

Allele frequency attached by ClinVar (database versions not stated): ExAC 0.00001; gnomAD 0.00002; gnomAD exomes 0.00002; TOPMed 0.00003.

Submissions (2):

Department of Human Genetics, Hannover Medical School
Classification: Pathogenic for Primary Ciliary Dyskinesia. Last evaluated: 2026-04-01. Review status: criteria provided, single submitter. Criteria: ACMG Guidelines, 2015. Collection method: research. Allele origin: germline. Affected: no.
Comment: Classification performed by HerediClassify using the following criteria:['PM2_supporting: Variant occures does not occur as homozygous in gnomAD.', 'PVS1_protein_very_strong: Transcript ENST00000335251 is predicted to undergo NMD.', "PP4_supporting: The PICADAR socre of 5.0 exceeds threshold of 5 achieving 'supporting' evidence strength."]

Labcorp Genetics (formerly Invitae), Labcorp
Classification: Uncertain significance. Last evaluated: 2025-02-03. Review status: criteria provided, single submitter. Criteria: Invitae Variant Classification Sherloc (09022015). Collection method: clinical testing. Allele origin: germline.
Comment: This sequence change creates a premature translational stop signal (p.Cys653Phefs*5) in the INTU gene. It is expected to result in an absent or disrupted protein product. However, the current clinical and genetic evidence is not sufficient to establish whether loss-of-function variants in INTU cause disease. This variant is present in population databases (rs779599325, gnomAD 0.007%). This variant has not been reported in the literature in individuals affected with INTU-related conditions. ClinVar contains an entry for this variant (Variation ID: 2909380). In summary, the available evidence is currently insufficient to determine the role of this variant in disease. Therefore, it has been classified as a Variant of Uncertain Significance.